The following is an entry in ClinVar:

NM_004341.5(CAD):c.2870G>T (p.Gly957Val)

Genes: CAD (carbamoyl-phosphate synthetase 2, aspartate transcarbamylase, and dihydroorotase; plus strand), LOC126806171 (BRD4-independent group 4 enhancer GRCh37_chr2:27454350-27455549; plus strand). Cytogenetic location: 2p23.3.
Variant type: single nucleotide variant.
Coding change: c.2870G>T on transcript NM_004341.5 (MANE Select); coding-DNA position 2870, G replaced by T.
Protein change: p.Gly957Val; replaces glycine 957 with valine.
Molecular consequence: missense variant.
Genome position (GRCh38, 1-based): chr2:27,232,672, G>T. VCF-style: chr2-27232672-G-T. GRCh37 (hg19) VCF-style: chr2-27455540-G-T.
Other names: c.2681G>T, p.Gly894Val (NM_001306079.2); c.2870G>T (NM_004341.3); short protein forms G957V, G894V.
Identifiers: ClinVar variation 591744 (VCV000591744.6), dbSNP rs999093646, ClinGen allele CA44507722.

ClinVar aggregate classification (germline): Uncertain significance. Review status: criteria provided, multiple submitters, no conflicts (2 of 4 stars). 3 submissions from 3 submitters: Uncertain significance (2). 1 of the submissions does not count toward it. Last evaluated 2024-08-26.

Conditions:
Inborn genetic diseases. Identifiers: MedGen C0950123, MeSH D030342.

Allele frequency attached by ClinVar (database versions not stated): gnomAD 0.00006; TOPMed 0.00011.
gnomAD v4.1: 13 of 1,614,092 alleles (0.00081%); highest among the groups gnomAD compares: Admixed American, 0.018%; no homozygotes.

Submissions (3):

Ambry Genetics
Classification: Uncertain significance for Inborn genetic diseases. Last evaluated: 2024-08-26. Review status: criteria provided, single submitter. Criteria: Ambry Variant Classification Scheme 2023. Collection method: clinical testing. Allele origin: germline.

Labcorp Genetics (formerly Invitae), Labcorp
Classification: Uncertain significance. Last evaluated: 2022-09-19. Review status: criteria provided, single submitter. Criteria: Invitae Variant Classification Sherloc (09022015). Collection method: clinical testing. Allele origin: germline.
Comment: This sequence change replaces glycine, which is neutral and non-polar, with valine, which is neutral and non-polar, at codon 957 of the CAD protein (p.Gly957Val). This variant is not present in population databases (gnomAD no frequency). This variant has not been reported in the literature in individuals affected with CAD-related conditions. ClinVar contains an entry for this variant (Variation ID: 591744). Advanced modeling of protein sequence and biophysical properties (such as structural, functional, and spatial information, amino acid conservation, physicochemical variation, residue mobility, and thermodynamic stability) performed at Invitae indicates that this missense variant is expected to disrupt CAD protein function. In summary, the available evidence is currently insufficient to determine the role of this variant in disease. Therefore, it has been classified as a Variant of Uncertain Significance.

Gharavi Laboratory, Columbia University
Classification: Uncertain significance. Last evaluated: 2018-09-16. Review status: no assertion criteria provided. Criteria: ACMG Guidelines, 2015. Collection method: research. Allele origin: germline. Affected: yes. Not counted in ClinVar's aggregate classification.